The following is an entry in ClinVar:

ClinVar aggregate classification (germline): Uncertain significance. Review status: criteria provided, multiple submitters, no conflicts (2 of 4 stars). 2 submissions from 2 submitters: Uncertain significance (2). Last evaluated 2023-11-17.

Conditions:
Hereditary cancer-predisposing syndrome. Also called: Neoplastic Syndromes, Hereditary; Hereditary Cancer Syndrome; Hereditary neoplastic syndrome; Tumor predisposition. Identifiers: Orphanet 140162, MedGen C0027672, MeSH D009386, MONDO:0015356.
Hereditary diffuse gastric adenocarcinoma (HDGC). Also called: DIFFUSE GASTRIC AND LOBULAR BREAST CANCER SYNDROME. Identifiers: Orphanet 26106, MedGen C1708349, MONDO:0007648, OMIM 137215.

Submissions (2):

Labcorp Genetics (formerly Invitae), Labcorp
Classification: Uncertain significance for Hereditary diffuse gastric adenocarcinoma. Last evaluated: 2023-11-17. Review status: criteria provided, single submitter. Criteria: Invitae Variant Classification Sherloc (09022015). Collection method: clinical testing. Allele origin: germline.
Comment: This variant, c.1805_1807del, results in the deletion of 1 amino acid(s) of the CDH1 protein (p.Phe602del), but otherwise preserves the integrity of the reading frame. This variant is not present in population databases (gnomAD no frequency). This variant has not been reported in the literature in individuals affected with CDH1-related conditions. Experimental studies and prediction algorithms are not available or were not evaluated, and the functional significance of this variant is currently unknown. In summary, the available evidence is currently insufficient to determine the role of this variant in disease. Therefore, it has been classified as a Variant of Uncertain Significance.

Ambry Genetics
Classification: Uncertain significance for Hereditary cancer-predisposing syndrome. Last evaluated: 2013-06-10. Review status: criteria provided, single submitter. Criteria: Ambry Autosomal Dominant and X-Linked criteria (10/2015). Collection method: clinical testing. Allele origin: germline. Observed: 1 variant allele.
Comment: There is insufficient or conflicting evidence for classification of this alteration.

NM_004360.5(CDH1):c.1802TCT[1] (p.Phe602del)

Gene: CDH1 (cadherin 1; plus strand). Cytogenetic location: 16q22.1.
Variant type: Microsatellite.
Coding change: c.1802TCT[1] on transcript NM_004360.5 (MANE Select); one copy of the 3-base unit TCT starting at c.1802; the reference has two copies in a row; one copy, 3 bases deleted.
Protein change: p.Phe602del; deletes phenylalanine 602.
Molecular consequence: inframe deletion. On other transcripts: 5 prime UTR variant (1).
Genome position (GRCh38, 1-based): chr16:68,822,094-68,822,096, TCT deleted; deleting any 3 consecutive bases within chr16:68,822,090-68,822,096 gives the same sequence; the position shown is the placement nearest the transcript's 3' end. VCF-style (leftmost placement, unchanged base first): chr16-68822089-ATTC-A. GRCh37 (hg19) VCF-style: chr16-68855992-ATTC-A.
Other names: c.1619TCT[1], p.Phe541del (NM_001317184.2); c.254TCT[1], p.Phe86del (NM_001317185.2); c.-164TCT[1] (NM_001317186.2); short protein forms F602del, F86del, F541del.
Identifiers: ClinVar variation 142518 (VCV000142518.6), dbSNP rs587782517, ClinGen allele CA168579.
Genomic context (GRCh38, chr16:68,822,089, plus strand): 5'-ACTTCTGCTGATCCTGTCTGATGTGAATGACAACGCCCCCATACCAGAACCTCGAACTAT[ATTC>A]TTCTGTGAGAGGAATCCAAAGCCTCAGGTCATAAACATCATTGATGCAGACCTTCCTCCC-3'